The following is an entry in ClinVar:

NM_080916.3(DGUOK):c.630G>A (p.Glu210=)

Gene: DGUOK (deoxyguanosine kinase; plus strand). Cytogenetic location: 2p13.1.
Variant type: single nucleotide variant.
Coding change: c.630G>A on transcript NM_080916.3 (MANE Select); coding-DNA position 630, G replaced by A.
Protein change: p.Glu210=; no amino-acid change (glutamic acid 210 retained).
Molecular consequence: synonymous variant. On other transcripts: non-coding transcript variant (1), intron variant (2).
Genome position (GRCh38, 1-based): chr2:73,957,163, G>A. VCF-style: chr2-73957163-G-A. GRCh37 (hg19) VCF-style: chr2-74184290-G-A.
Other names: p.Glu210=; c.339G>A, p.Glu113= (NM_001318860.2, NM_001318861.2); c.321G>A, p.Glu107= (NM_001318862.2, NM_001318863.2); c.444-983G>A (NM_080918.3); c.426-983G>A (NM_001318859.2).
Identifiers: ClinVar variation 197867 (VCV000197867.24), dbSNP rs115206553, ClinGen allele CA246251.

ClinVar aggregate classification (germline): Conflicting classifications of pathogenicity. Review status: criteria provided, conflicting classifications (1 of 4 stars). 5 submissions from 5 submitters: Uncertain significance (2); Likely benign (2). 1 of the submissions does not count toward it. Last evaluated 2026-01-01.

Conditions:
DGUOK-related disorder. Also called: DGUOK-related condition.
Mitochondrial DNA depletion syndrome 3 (hepatocerebral type). Also called: Mitochondrial DNA depletion syndrome, hepatocerebral form due to DGUOK deficiency; MITOCHONDRIAL DNA DEPLETION SYNDROME 3; Deoxyguanosine Kinase Deficiency. Identifiers: Orphanet 279934, MedGen CN074093, MONDO:0009636, OMIM 251880.

Allele frequency attached by ClinVar (database versions not stated): gnomAD exomes 0.00006 and 0.00016; ExAC 0.00020; ESP Exome Variant Server 0.00046; 1000 Genomes Project 0.00060; 1000 Genomes Project 30x 0.00062; TOPMed 0.00069; gnomAD 0.00071 and 0.00075.
gnomAD v4.1: 193 of 1,614,134 alleles (0.012%); highest among the groups gnomAD compares: African/African-American, 0.24%; no homozygotes.

Submissions (5):

Labcorp Genetics (formerly Invitae), Labcorp
Classification: Likely benign. Last evaluated: 2026-01-01. Review status: criteria provided, single submitter. Criteria: Invitae Variant Classification Sherloc (09022015). Collection method: clinical testing. Allele origin: germline.

Mayo Clinic Laboratories, Mayo Clinic
Classification: Likely benign. Last evaluated: 2025-05-27. Review status: criteria provided, single submitter. Criteria: ACMG Guidelines, 2015. Collection method: clinical testing. Allele origin: germline. Observed: 3 variant alleles.
Comment: BS1, BP4, BP7

Eurofins Ntd Llc (ga)
Classification: Uncertain significance. Last evaluated: 2018-01-12. Review status: criteria provided, single submitter. Criteria: EGL Classification Definitions 2015. Collection method: clinical testing. Allele origin: germline. Observed: 8 variant alleles, 8 heterozygotes.

Illumina Laboratory Services, Illumina
Classification: Uncertain significance for Mitochondrial DNA depletion syndrome 3 (hepatocerebral type). Last evaluated: 2018-01-12. Review status: criteria provided, single submitter. Criteria: ICSL Variant Classification Criteria 13 December 2019. Collection method: clinical testing. Allele origin: germline.

PreventionGenetics, part of Exact Sciences
Classification: Likely benign for DGUOK-related condition. Last evaluated: 2019-12-20. Review status: no assertion criteria provided. Collection method: clinical testing. Allele origin: germline. Not counted in ClinVar's aggregate classification.
Comment: This variant is classified as likely benign based on ACMG/AMP sequence variant interpretation guidelines (Richards et al. 2015 PMID: 25741868, with internal and published modifications).